The following is an entry in ClinVar:

NM_003664.5(AP3B1):c.2188C>T (p.Arg730Trp)

Gene: AP3B1 (adaptor related protein complex 3 subunit beta 1; minus strand). Cytogenetic location: 5q14.1.
Variant type: single nucleotide variant.
Coding change: c.2188C>T on transcript NM_003664.5 (MANE Select); coding-DNA position 2188, C replaced by T.
Protein change: p.Arg730Trp; replaces arginine 730 with tryptophan.
Molecular consequence: missense variant.
Genome position (GRCh38, 1-based): chr5:78,113,813, G>A on the plus strand (C>T on the coding strand, the complement: AP3B1 is on the minus strand). VCF-style: chr5-78113813-G-A. GRCh37 (hg19) VCF-style: chr5-77409637-G-A.
Other names: c.2188C>T (NM_003664.3); c.2041C>T, p.Arg681Trp (NM_001271769.2); short protein forms R730W, R681W.
Identifiers: ClinVar variation 354231 (VCV000354231.22), dbSNP rs141102178, ClinGen allele CA3316834.

ClinVar aggregate classification (germline): Uncertain significance. Review status: criteria provided, multiple submitters, no conflicts (2 of 4 stars). 7 submissions from 7 submitters: Uncertain significance (5). 2 of the submissions do not count toward it. Last evaluated 2025-01-30.

Conditions:
AP3B1-related disorder. Also called: AP3B1-related condition.
Hermansky-Pudlak syndrome 2 (HPS2). Also called: Platelet defects and oculocutaneous albinism. Identifiers: Orphanet 183678, Orphanet 79430, MedGen C1842362, MONDO:0011997, OMIM 608233.
Abnormal bleeding. Also called: Bleeding diathesis. Identifiers: MedGen C1458140, HP:0001892.
Thrombocytopenia. Identifiers: MedGen C0040034, MeSH D013921, MONDO:0002049, HP:0001873.

Allele frequency attached by ClinVar (database versions not stated): TOPMed 0.00021; gnomAD 0.00030 and 0.00032; ESP Exome Variant Server 0.00038; gnomAD exomes 0.00039 and 0.00047; ExAC 0.00057.
gnomAD v4.1: 614 of 1,613,826 alleles (0.038%); highest among the groups gnomAD compares: Non-Finnish European, 0.041%; 1 homozygote.

Submissions (7):

Labcorp Genetics (formerly Invitae), Labcorp
Classification: Uncertain significance for Hermansky-Pudlak syndrome 2. Last evaluated: 2025-01-30. Review status: criteria provided, single submitter. Criteria: Invitae Variant Classification Sherloc (09022015). Collection method: clinical testing. Allele origin: germline.
Comment: This sequence change replaces arginine, which is basic and polar, with tryptophan, which is neutral and slightly polar, at codon 730 of the AP3B1 protein (p.Arg730Trp). This variant is present in population databases (rs141102178, gnomAD 0.1%), and has an allele count higher than expected for a pathogenic variant. This missense change has been observed in individual(s) with a mild platelet defect (PMID: 32935436). ClinVar contains an entry for this variant (Variation ID: 354231). An algorithm developed to predict the effect of missense changes on protein structure and function (PolyPhen-2) suggests that this variant¬†is likely to be tolerated. In summary, the available evidence is currently insufficient to determine the role of this variant in disease. Therefore, it has been classified as a Variant of Uncertain Significance.

Women's Health and Genetics/Laboratory Corporation of America, LabCorp
Classification: Uncertain significance. Last evaluated: 2025-01-14. Review status: criteria provided, single submitter. Criteria: LabCorp Variant Classification Summary - May 2015. Collection method: clinical testing. Allele origin: germline.
Comment: Variant summary: AP3B1 c.2188C>T (p.Arg730Trp) results in a non-conservative amino acid change in the encoded protein sequence. Three of five in-silico tools predict a benign effect of the variant on protein function. The variant allele was found at a frequency of 0.00047 in 251442 control chromosomes. This frequency is not significantly higher than estimated for a pathogenic variant in AP3B1 causing Hermansky-Pudlak Syndrome (0.00047 vs 0.0005), allowing no conclusion about variant significance. c.2188C>T has been reported in the literature in individuals affected with mild platelet disorder (Almazni_2020). These report(s) do not provide unequivocal conclusions about association of the variant with Hermansky-Pudlak Syndrome. To our knowledge, no experimental evidence demonstrating an impact on protein function has been reported. The following publication have been ascertained in the context of this evaluation (PMID: 32935436). ClinVar contains an entry for this variant (Variation ID: 354231). Based on the evidence outlined above, the variant was classified as uncertain significance.

Fulgent Genetics
Classification: Uncertain significance for Hermansky-Pudlak syndrome 2. Last evaluated: 2022-01-31. Review status: criteria provided, single submitter. Criteria: ACMG Guidelines, 2015. Collection method: clinical testing. Allele origin: unknown.

GeneDx
Classification: Uncertain significance. Last evaluated: 2020-12-10. Review status: criteria provided, single submitter. Criteria: GeneDx Variant Classification Process June 2021. Collection method: clinical testing. Allele origin: germline. Affected: yes.
Comment: In silico analysis supports that this missense variant does not alter protein structure/function; Identified in a patient with an inherited bleeding disorder, but additional clinical information, familial segregation, and functional studies were not available (Almazani et al., 2020); This variant is associated with the following publications: (PMID: 32935436)

Illumina Laboratory Services, Illumina
Classification: Uncertain significance for Hermansky-Pudlak syndrome 2. Last evaluated: 2018-01-13. Review status: criteria provided, single submitter. Criteria: ICSL Variant Classification Criteria 13 December 2019. Collection method: clinical testing. Allele origin: germline.

PreventionGenetics, part of Exact Sciences
Classification: Likely benign for AP3B1-related condition. Last evaluated: 2023-06-02. Review status: no assertion criteria provided. Collection method: clinical testing. Allele origin: germline. Not counted in ClinVar's aggregate classification.
Comment: This variant is classified as likely benign based on ACMG/AMP sequence variant interpretation guidelines (Richards et al. 2015 PMID: 25741868, with internal and published modifications).

Birmingham Platelet Group; University of Birmingham
Classification: Uncertain significance for Thrombocytopenia; Abnormal bleeding. Last evaluated: 2020-05-01. Review status: no assertion criteria provided. Collection method: research. Allele origin: germline. Affected: yes. Not counted in ClinVar's aggregate classification.

Literature cited by the submitters: PubMed 32935436 (cited by Labcorp Genetics (formerly Invitae), Labcorp and Women's Health and Genetics/Laboratory Corporation of America, LabCorp).